The following is an entry in ClinVar:

NM_005585.5(SMAD6):c.65G>C (p.Arg22Pro)

Gene: SMAD6 (SMAD family member 6; plus strand). Cytogenetic location: 15q22.31.
Variant type: single nucleotide variant.
Coding change: c.65G>C on transcript NM_005585.5 (MANE Select); coding-DNA position 65, G replaced by C.
Protein change: p.Arg22Pro; replaces arginine 22 with proline.
Molecular consequence: missense variant. On other transcripts: non-coding transcript variant (1).
Genome position (GRCh38, 1-based): chr15:66,703,323, G>C. VCF-style: chr15-66703323-G-C. GRCh37 (hg19) VCF-style: chr15-66995661-G-C.
Other names: short protein forms R22P.
Identifiers: ClinVar variation 3373086 (VCV003373086.1).
Genomic context (GRCh38, chr15:66,703,323, plus strand): 5'-TCAGGTCCAAACGCTCGGGGCTGGTGCGGCGACTTTGGCGAAGTCGTGTGGTCCCCGACC[G>C]GGAGGAAGGCGGCAGCGGCGGCGGCGGTGGCGGCGACGAGGATGGGAGCTTGGGCAGCCG-3'
Protein context (NP_005576.3, residues 12-32): RLWRSRVVPD[Arg22Pro]EEGGSGGGGG

ClinVar aggregate classification (germline): Uncertain significance (1 of 4 stars; one submission).

Submission:

GeneDx
Classification: Uncertain significance. Last evaluated: 2024-04-29. Review status: criteria provided, single submitter. Criteria: GeneDx Variant Classification Process June 2021. Collection method: clinical testing. Allele origin: germline. Affected: yes.
Comment: Not observed at significant frequency in large population cohorts (gnomAD); In silico analysis indicates that this missense variant does not alter protein structure/function; Has not been previously published as pathogenic or benign to our knowledge